The following is an entry in ClinVar:

ClinVar aggregate classification (germline): Uncertain significance (1 of 4 stars; one submission).

Submission:

Labcorp Genetics (formerly Invitae), Labcorp
Classification: Uncertain significance. Last evaluated: 2023-11-20. Review status: criteria provided, single submitter. Criteria: Invitae Variant Classification Sherloc (09022015). Collection method: clinical testing. Allele origin: germline.
Comment: This sequence change replaces methionine, which is neutral and non-polar, with threonine, which is neutral and polar, at codon 176 of the FGF10 protein (p.Met176Thr). This variant is not present in population databases (gnomAD no frequency). This missense change has been observed in individual(s) with lacrimo-auriculo-dento-digital syndrome (Invitae). It has also been observed to segregate with disease in related individuals. An algorithm developed to predict the effect of missense changes on protein structure and function (PolyPhen-2) suggests that this variant is likely to be disruptive. In summary, the available evidence is currently insufficient to determine the role of this variant in disease. Therefore, it has been classified as a Variant of Uncertain Significance.

NM_004465.2(FGF10):c.527T>C (p.Met176Thr)

Gene: FGF10 (fibroblast growth factor 10; minus strand). Cytogenetic location: 5p12.
Variant type: single nucleotide variant.
Coding change: c.527T>C on transcript NM_004465.2 (MANE Select); coding-DNA position 527, T replaced by C.
Protein change: p.Met176Thr; replaces methionine 176 with threonine.
Molecular consequence: missense variant.
Genome position (GRCh38, 1-based): chr5:44,305,095, A>G on the plus strand (T>C on the coding strand, the complement: FGF10 is on the minus strand). VCF-style: chr5-44305095-A-G. GRCh37 (hg19) VCF-style: chr5-44305197-A-G.
Other names: short protein forms M176T.
Identifiers: ClinVar variation 2828258 (VCV002828258.3), dbSNP rs2478335727, ClinGen allele CA359697686.
Genomic context (GRCh38, chr5:44,305,095, plus strand): 5'-TTTTTCCTTCGTGTTTTCTGTCCTCTCCTTGGAGCTCCTTTTCCATTCAATGCCACATAC[A>G]TTTGCCTCCCATTATGCTGCCAGTTAAATGATGCATAGGTATTGTATCCATTTTCCTCTA-3'
Protein context (NP_004456.1, residues 166-186): SFNWQHNGRQ[Met176Thr]YVALNGKGAP